The following is an entry in ClinVar:

ClinVar aggregate classification (germline): Uncertain significance (1 of 4 stars; one submission).

Conditions:
Inborn genetic diseases. Identifiers: MedGen C0950123, MeSH D030342.

Submission:

Ambry Genetics
Classification: Uncertain significance for Inborn genetic diseases. Last evaluated: 2024-06-30. Review status: criteria provided, single submitter. Criteria: Ambry Variant Classification Scheme 2023. Collection method: clinical testing. Allele origin: germline.
Comment: The p.A280V variant (also known as c.839C>T), located in coding exon 8 of the RAD51 gene, results from a C to T substitution at nucleotide position 839. The alanine at codon 280 is replaced by valine, an amino acid with similar properties. This amino acid position is conserved. In addition, this alteration is predicted to be tolerated by in silico analysis. Based on the available evidence, the clinical significance of this variant remains unclear.

NM_002875.5(RAD51):c.839C>T (p.Ala280Val)

Gene: RAD51 (RAD51 recombinase; plus strand). Cytogenetic location: 15q15.1.
Variant type: single nucleotide variant.
Coding change: c.839C>T on transcript NM_002875.5 (MANE Select); coding-DNA position 839, C replaced by T.
Protein change: p.Ala280Val; replaces alanine 280 with valine.
Molecular consequence: missense variant. On other transcripts: intron variant (1).
Genome position (GRCh38, 1-based): chr15:40,729,917, C>T. VCF-style: chr15-40729917-C-T. GRCh37 (hg19) VCF-style: chr15-41022115-C-T.
Other names: c.842C>T, p.Ala281Val (NM_001164269.2, NM_133487.4); c.774+283C>T (NM_001164270.2); short protein forms A280V, A281V.
Identifiers: ClinVar variation 3429546 (VCV003429546.1).
Genomic context (GRCh38, chr15:40,729,917, plus strand): 5'-GTGTAGCAGTGGTAATCACTAATCAGGTGGTAGCTCAAGTGGATGGAGCAGCGATGTTTG[C>T]TGCTGATCCCAAAAAACCTATTGGAGGAAATATCATCGCCCATGCATCAACAACCAGGTA-3'
Protein context (NP_002866.2, residues 270-290): VAQVDGAAMF[Ala280Val]ADPKKPIGGN